The following is an entry in ClinVar:

NM_014846.4(WASHC5):c.1245A>G (p.Leu415=)

Gene: WASHC5 (WASH complex subunit 5; minus strand). Cytogenetic location: 8q24.13.
Variant type: single nucleotide variant.
Coding change: c.1245A>G on transcript NM_014846.4 (MANE Select); coding-DNA position 1245, A replaced by G.
Protein change: p.Leu415=; no amino-acid change (leucine 415 retained).
Molecular consequence: synonymous variant.
Genome position (GRCh38, 1-based): chr8:125,067,625, T>C on the plus strand (A>G on the coding strand, the complement: WASHC5 is on the minus strand). VCF-style: chr8-125067625-T-C. GRCh37 (hg19) VCF-style: chr8-126079867-T-C.
Other names: p.Leu415=; c.801A>G, p.Leu267= (NM_001330609.2).
Identifiers: ClinVar variation 361725 (VCV000361725.22), dbSNP rs10429323, ClinGen allele CA4873889.

ClinVar aggregate classification (germline): Benign. Review status: criteria provided, multiple submitters, no conflicts (2 of 4 stars). 8 submissions from 8 submitters: Benign (7). 1 of the submissions does not count toward it. Last evaluated 2026-01-20.

Conditions:
WASHC5-related disorder. Also called: WASHC5-related condition.
Hereditary spastic paraplegia. Also called: Familial spastic paraparesis. Identifiers: Orphanet 685, MedGen C0037773, MONDO:0019064. Disease mechanism: loss of function.
Hereditary spastic paraplegia 8 (SPG8). Also called: SPASTIC PARAPLEGIA 8, AUTOSOMAL DOMINANT. Identifiers: Orphanet 100989, MedGen C1863704, MONDO:0011339, OMIM 603563.
Ritscher-Schinzel syndrome. Also called: CRANIOCEREBELLOCARDIAC DYSPLASIA. Identifiers: Orphanet 7, MedGen C0796137, MONDO:0019078.

Allele frequency attached by ClinVar (database versions not stated): gnomAD 0.02656 and 0.02837; ESP Exome Variant Server 0.02760; 1000 Genomes Project 30x 0.03482; gnomAD exomes 0.00689 and 0.00232; TOPMed 0.02917; ExAC 0.00860; 1000 Genomes Project 0.03195.
gnomAD v4.1: 7,589 of 1,612,736 alleles (0.47%); highest among the groups gnomAD compares: African/African-American, 9%; 312 homozygotes.

Submissions (8):

Labcorp Genetics (formerly Invitae), Labcorp
Classification: Benign for Ritscher-Schinzel syndrome; Hereditary spastic paraplegia 8. Last evaluated: 2026-01-20. Review status: criteria provided, single submitter. Criteria: Invitae Variant Classification Sherloc (09022015). Collection method: clinical testing. Allele origin: germline.

Genome Diagnostics Laboratory, The Hospital for Sick Children
Classification: Benign for Hereditary spastic paraplegia. Last evaluated: 2022-01-17. Review status: criteria provided, single submitter. Criteria: ACMG Guidelines, 2015. Collection method: clinical testing. Allele origin: germline. Affected: yes.

Illumina Laboratory Services, Illumina
Classification: Benign for Hereditary spastic paraplegia 8. Last evaluated: 2018-01-12. Review status: criteria provided, single submitter. Criteria: ICSL Variant Classification Criteria 13 December 2019. Collection method: clinical testing. Allele origin: germline.
Comment: This variant was observed in the ICSL laboratory as part of a predisposition screen in an ostensibly healthy population. It had not been previously curated by ICSL or reported in the Human Gene Mutation Database (HGMD: prior to June 1st, 2018), and was therefore a candidate for classification through an automated scoring system. Utilizing variant allele frequency, disease prevalence and penetrance estimates, and inheritance mode, an automated score was calculated to assess if this variant is too frequent to cause the disease. Based on the score and internal cut-off values, a variant classified as benign is not then subjected to further curation. The score for this variant resulted in a classification of benign for this disease.

Athena Diagnostics
Classification: Benign. Last evaluated: 2017-12-30. Review status: criteria provided, single submitter. Criteria: Athena Diagnostics Criteria. Collection method: clinical testing. Allele origin: germline.

GeneDx
Classification: Benign. Last evaluated: 2016-10-24. Review status: criteria provided, single submitter. Criteria: GeneDx Variant Classification (06012015). Collection method: clinical testing. Allele origin: germline. Affected: yes.
Comment: This variant is considered likely benign or benign based on one or more of the following criteria: it is a conservative change, it occurs at a poorly conserved position in the protein, it is predicted to be benign by multiple in silico algorithms, and/or has population frequency not consistent with disease.

Mayo Clinic Laboratories, Mayo Clinic
Classification: Benign. Last evaluated: 2016-05-23. Review status: criteria provided, single submitter. Criteria: ACMG Guidelines, 2015. Collection method: clinical testing. Allele origin: germline. Observed: 13 variant alleles.

Breakthrough Genomics
Classification: Benign. Review status: criteria provided, single submitter. Criteria: ACMG Guidelines, 2015. Collection method: not provided. Allele origin: germline. Inheritance: Autosomal recessive inheritance. Affected: yes.

PreventionGenetics, part of Exact Sciences
Classification: Benign for WASHC5-related condition. Last evaluated: 2019-08-07. Review status: no assertion criteria provided. Collection method: clinical testing. Allele origin: germline. Not counted in ClinVar's aggregate classification.
Comment: This variant is classified as benign based on ACMG/AMP sequence variant interpretation guidelines (Richards et al. 2015 PMID: 25741868, with internal and published modifications).